The following is an entry in ClinVar:

NM_000481.4(AMT):c.526G>A (p.Asp176Asn)

Gene: AMT (aminomethyltransferase; minus strand). Cytogenetic location: 3p21.31.
Variant type: single nucleotide variant.
Coding change: c.526G>A on transcript NM_000481.4 (MANE Select); coding-DNA position 526, G replaced by A.
Protein change: p.Asp176Asn; replaces aspartic acid 176 with asparagine.
Molecular consequence: missense variant. On other transcripts: non-coding transcript variant (1).
Genome position (GRCh38, 1-based): chr3:49,419,734, C>T on the plus strand (G>A on the coding strand, the complement: AMT is on the minus strand). VCF-style: chr3-49419734-C-T. GRCh37 (hg19) VCF-style: chr3-49457167-C-T.
Other names: c.394G>A, p.Asp132Asn (NM_001164710.2); c.358G>A, p.Asp120Asn (NM_001164711.2); c.526G>A, p.Asp176Asn (NM_001164712.2); short protein forms D176N, D120N, D132N.
Identifiers: ClinVar variation 2061295 (VCV002061295.3), dbSNP rs781474146, ClinGen allele CA2398332.

ClinVar aggregate classification (germline): Uncertain significance. Review status: criteria provided, multiple submitters, no conflicts (2 of 4 stars). 2 submissions from 2 submitters: Uncertain significance (2). Last evaluated 2024-10-15.

Conditions:
AMT-related disorder. Also called: AMT-related condition.
Glycine encephalopathy. Also called: Nonketotic hyperglycinemia; Non-ketotic hyperglycinemia. Identifiers: Orphanet 407, MedGen C0751748, MONDO:0011612, HP:0008288.

Allele frequency attached by ClinVar (database versions not stated): TOPMed 0.00004; ExAC 0.00005.

Submissions (2):

Labcorp Genetics (formerly Invitae), Labcorp
Classification: Uncertain significance for Glycine encephalopathy. Last evaluated: 2024-10-15. Review status: criteria provided, single submitter. Criteria: Invitae Variant Classification Sherloc (09022015). Collection method: clinical testing. Allele origin: germline.
Comment: This sequence change replaces aspartic acid, which is acidic and polar, with asparagine, which is neutral and polar, at codon 176 of the AMT protein (p.Asp176Asn). This variant is present in population databases (rs781474146, gnomAD 0.008%). This variant has not been reported in the literature in individuals affected with AMT-related conditions. ClinVar contains an entry for this variant (Variation ID: 2061295). Invitae Evidence Modeling of protein sequence and biophysical properties (such as structural, functional, and spatial information, amino acid conservation, physicochemical variation, residue mobility, and thermodynamic stability) indicates that this missense variant is not expected to disrupt AMT protein function with a negative predictive value of 95%. In summary, the available evidence is currently insufficient to determine the role of this variant in disease. Therefore, it has been classified as a Variant of Uncertain Significance.

PreventionGenetics, part of Exact Sciences
Classification: Uncertain significance for AMT-related condition. Last evaluated: 2023-08-17. Review status: criteria provided, single submitter. Criteria: ACMG Guidelines, 2015. Collection method: clinical testing. Allele origin: germline.
Comment: The AMT c.526G>A variant is predicted to result in the amino acid substitution p.Asp176Asn. To our knowledge, this variant has not been reported in the literature. This variant is reported in 0.0088% of alleles in individuals of European (Non-Finnish) descent in gnomAD. At this time, the clinical significance of this variant is uncertain due to the absence of conclusive functional and genetic evidence.